The following is an entry in ClinVar:

ClinVar aggregate classification (germline): Uncertain significance (1 of 4 stars; one submission).

Allele frequency attached by ClinVar (database versions not stated): gnomAD exomes below 0.00001; TOPMed below 0.00001.
gnomAD v4.1: 1 of 1,614,162 alleles (0.000062%); highest among the groups gnomAD compares: African/African-American, 0.0013%; no homozygotes.

Submission:

Labcorp Genetics (formerly Invitae), Labcorp
Classification: Uncertain significance. Last evaluated: 2024-11-04. Review status: criteria provided, single submitter. Criteria: Invitae Variant Classification Sherloc (09022015). Collection method: clinical testing. Allele origin: germline.
Comment: This sequence change replaces threonine, which is neutral and polar, with asparagine, which is neutral and polar, at codon 140 of the MTPAP protein (p.Thr140Asn). This variant is present in population databases (no rsID available, gnomAD 0.007%). This variant has not been reported in the literature in individuals affected with MTPAP-related conditions. ClinVar contains an entry for this variant (Variation ID: 1930209). Invitae Evidence Modeling of protein sequence and biophysical properties (such as structural, functional, and spatial information, amino acid conservation, physicochemical variation, residue mobility, and thermodynamic stability) indicates that this missense variant is not expected to disrupt MTPAP protein function with a negative predictive value of 80%. In summary, the available evidence is currently insufficient to determine the role of this variant in disease. Therefore, it has been classified as a Variant of Uncertain Significance.

NM_018109.4(MTPAP):c.419C>A (p.Thr140Asn)

Gene: MTPAP (mitochondrial poly(A) polymerase; minus strand). Cytogenetic location: 10p11.23.
Variant type: single nucleotide variant.
Coding change: c.419C>A on transcript NM_018109.4 (MANE Select); coding-DNA position 419, C replaced by A.
Protein change: p.Thr140Asn; replaces threonine 140 with asparagine.
Molecular consequence: missense variant.
Genome position (GRCh38, 1-based): chr10:30,340,362, G>T on the plus strand (C>A on the coding strand, the complement: MTPAP is on the minus strand). VCF-style: chr10-30340362-G-T. GRCh37 (hg19) VCF-style: chr10-30629291-G-T.
Other names: short protein forms T140N.
Identifiers: ClinVar variation 1930209 (VCV001930209.5), dbSNP rs1267082862, ClinGen allele CA376428054.